The following is an entry in ClinVar:

ClinVar aggregate classification (germline): Uncertain significance (1 of 4 stars; one submission).

Conditions:
Leukodystrophy, hypomyelinating, 7, with or without oligodontia and/or hypogonadotropic hypogonadism (HLD7). Also called: LEUKODYSTROPHY, HYPOMYELINATING, 7, WITH OLIGODONTIA; LEUKODYSTROPHY, HYPOMYELINATING, 7, WITH OLIGODONTIA AND HYPOGONADOTROPIC HYPOGONADISM; LEUKODYSTROPHY, HYPOMYELINATING, 7, WITHOUT OLIGODONTIA OR HYPOGONADOTROPIC HYPOGONADISM; Ataxia, Delayed Dentition and Hypomyelination (ADDH); LEUKOENCEPHALOPATHY, HYPOMYELINATING, WITH ATAXIA AND DELAYED DENTITION; ATAXIA, DELAYED DENTITION, AND HYPOMYELINATION. Identifiers: Orphanet 137639, Orphanet 447893, Orphanet 447896, Orphanet 77295, Orphanet 88637, MedGen CN034185, MONDO:0011897, OMIM 607694.

Allele frequency attached by ClinVar (database versions not stated): gnomAD exomes below 0.00001 and 0.00002; TOPMed below 0.00001; ExAC 0.00002.
gnomAD v4.1: 2 of 1,613,938 alleles (0.00012%); highest among the groups gnomAD compares: Admixed American, 0.0017%; no homozygotes.

Submission:

Baylor Genetics
Classification: Uncertain significance for Leukodystrophy, hypomyelinating, 7, with or without oligodontia and/or hypogonadotropic hypogonadism. Last evaluated: 2019-02-14. Review status: criteria provided, single submitter. Criteria: ACMG Guidelines, 2015. Collection method: clinical testing. Allele origin: paternal. Affected: yes.
Comment: This variant was determined to be of uncertain significance according to ACMG Guidelines, 2015 [PMID:25741868].

NM_007055.4(POLR3A):c.-15C>T

Gene: POLR3A (RNA polymerase III subunit A; minus strand). Cytogenetic location: 10q22.3.
Variant type: single nucleotide variant.
Coding change: c.-15C>T on transcript NM_007055.4 (MANE Select); 15 bases upstream of the start codon, C replaced by T.
Molecular consequence: 5 prime UTR variant.
Genome position (GRCh38, 1-based): chr10:78,029,422, G>A on the plus strand (C>T on the coding strand, the complement: POLR3A is on the minus strand). VCF-style: chr10-78029422-G-A. GRCh37 (hg19) VCF-style: chr10-79789180-G-A.
Identifiers: ClinVar variation 1029124 (VCV001029124.1), dbSNP rs759366601, ClinGen allele CA5571833.